The following is an entry in ClinVar:

NM_153717.3(EVC):c.1387dup (p.Thr463fs)

Gene: EVC (EvC ciliary complex subunit 1; plus strand). Cytogenetic location: 4p16.2.
Variant type: Duplication.
Coding change: c.1387dup on transcript NM_153717.3 (MANE Select); coding-DNA position 1387, one base duplicated (A; older notation c.1387dupA).
Protein change: p.Thr463fs; shifts the reading frame from threonine 463.
Molecular consequence: frameshift variant.
Genome position (GRCh38, 1-based): chr4:5,753,856, A duplicated. VCF-style (leftmost placement, unchanged base first): chr4-5753855-C-CA. GRCh37 (hg19) VCF-style: chr4-5755582-C-CA.
Other names: c.1387dup, p.Thr463fs (NM_001306090.2, NM_001306092.2); short protein forms T463fs.
Identifiers: ClinVar variation 955697 (VCV000955697.9), dbSNP rs1317662938, ClinGen allele CA549401332.

ClinVar aggregate classification (germline): Pathogenic/Likely pathogenic. Review status: criteria provided, multiple submitters, no conflicts (2 of 4 stars). 2 submissions from 2 submitters: Pathogenic (1); Likely pathogenic (1). Last evaluated 2024-02-01.

Conditions:
Curry-Hall syndrome (WAD). Also called: WEYERS ACRODENTAL DYSOSTOSIS. Identifiers: Orphanet 952, MedGen C0457013, MONDO:0008673, OMIM 193530.
Ellis-van Creveld syndrome (EVC). Also called: MESOECTODERMAL DYSPLASIA; EVC-Related Ellis-van Creveld Syndrome; EVC2-Related Ellis-van Creveld Syndrome; Chondroectodermal dysplasia. Identifiers: Orphanet 289, MedGen C0013903, MONDO:0009162, OMIM 225500.

Allele frequency attached by ClinVar (database versions not stated): gnomAD exomes below 0.00001; gnomAD 0.00001; TOPMed 0.00001.

Submissions (2):

Laboratory of Medical Genetics, National & Kapodistrian University of Athens
Classification: Likely pathogenic for Ellis-van Creveld syndrome. Last evaluated: 2024-02-01. Review status: criteria provided, single submitter. Criteria: ACMG Guidelines, 2015. Collection method: curation. Allele origin: germline. Affected: no.

Labcorp Genetics (formerly Invitae), Labcorp
Classification: Pathogenic for Curry-Hall syndrome; Ellis-van Creveld syndrome. Last evaluated: 2023-04-15. Review status: criteria provided, single submitter. Criteria: Invitae Variant Classification Sherloc (09022015). Collection method: clinical testing. Allele origin: germline.
Comment: This sequence change creates a premature translational stop signal (p.Thr463Asnfs*14) in the EVC gene. It is expected to result in an absent or disrupted protein product. Loss-of-function variants in EVC are known to be pathogenic (PMID: 23220543). This variant is present in population databases (no rsID available, gnomAD 0.007%). This variant has not been reported in the literature in individuals affected with EVC-related conditions. ClinVar contains an entry for this variant (Variation ID: 955697). For these reasons, this variant has been classified as Pathogenic.

Literature cited by the submitters: PubMed 23220543 (cited by Labcorp Genetics (formerly Invitae), Labcorp).